The following is an entry in ClinVar:

NM_000492.4(CFTR):c.264_268del (p.Leu88fs)

Gene: CFTR (CF transmembrane conductance regulator; plus strand). Cytogenetic location: 7q31.2.
Variant type: Deletion.
Coding change: c.264_268del on transcript NM_000492.4 (MANE Select); coding-DNA positions 264 to 268, 5 bases deleted (ATATT; older notation c.264_268delATATT).
Protein change: p.Leu88fs; shifts the reading frame from leucine 88.
Molecular consequence: frameshift variant.
Genome position (GRCh38, 1-based): chr7:117,509,133-117,509,137, ATATT deleted; deleting any 5 consecutive bases within chr7:117,509,131-117,509,137 gives the same sequence; the c. name uses the placement nearest the transcript's 3' end. VCF-style (leftmost placement, unchanged base first): chr7-117509130-TTTATA-T. GRCh37 (hg19) VCF-style: chr7-117149184-TTTATA-T.
Other names: short protein forms L88fs.
Identifiers: ClinVar variation 2884009 (VCV002884009.3), dbSNP rs2484975593, ClinGen allele CA2695206317.

ClinVar aggregate classification (germline): Pathogenic (1 of 4 stars; one submission).

Conditions:
Cystic fibrosis (CF). Also called: MUCOVISCIDOSIS. Identifiers: Orphanet 586, MedGen C0010674, MONDO:0009061, OMIM 219700. Disease mechanism: loss of function.

Submission:

Labcorp Genetics (formerly Invitae), Labcorp
Classification: Pathogenic for Cystic fibrosis. Last evaluated: 2023-05-31. Review status: criteria provided, single submitter. Criteria: Invitae Variant Classification Sherloc (09022015). Collection method: clinical testing. Allele origin: germline.
Comment: For these reasons, this variant has been classified as Pathogenic. This variant is also known as c.262_266delTTATA. This premature translational stop signal has been observed in individual(s) with cystic fibrosis (PMID: 30548586, 32761997). This variant is not present in population databases (gnomAD no frequency). This sequence change creates a premature translational stop signal (p.Leu88Phefs*21) in the CFTR gene. It is expected to result in an absent or disrupted protein product. Loss-of-function variants in CFTR are known to be pathogenic (PMID: 1695717, 7691345, 9725922).

Literature cited by the submitters: PubMed 30548586; PubMed 32761997; PubMed 1695717; PubMed 7691345; PubMed 9725922.